The following is an entry in ClinVar:

NM_015972.4(POLR1D):c.329T>A (p.Val110Glu)

Genes: POLR1D (RNA polymerase I and III subunit D; plus strand), LOC147380392 (uncharacterized LOC147380392; plus strand). Cytogenetic location: 13q12.2.
Variant type: single nucleotide variant.
Coding change: c.329T>A on transcript NM_015972.4 (MANE Select); coding-DNA position 329, T replaced by A.
Protein change: p.Val110Glu; replaces valine 110 with glutamic acid.
Molecular consequence: missense variant. On other transcripts: intron variant (2).
Genome position (GRCh38, 1-based): chr13:27,623,177, T>A. VCF-style: chr13-27623177-T-A. GRCh37 (hg19) VCF-style: chr13-28197314-T-A.
Other names: c.329T>A, p.Val110Glu (NM_001374407.1); c.-59+2037T>A (NM_001206559.2); c.26+1168T>A (NM_152705.3); short protein forms V110E.
Identifiers: ClinVar variation 1310000 (VCV001310000.2), dbSNP rs138256149, ClinGen allele CA387635976.
Genomic context (GRCh38, chr13:27,623,177, plus strand): 5'-TTCCAGCTGTTGAGCCATTTCAGAGAGGCCTGAATGAGCTCATGAATGTCTGCCAACATG[T>A]GCTTGACAAGTTTGAGGCCAGCATAAAGGACTATAAGGATCAAAAAGCAAGCAGAAATGA-3'
Protein context (NP_057056.1, residues 100-120): LNELMNVCQH[Val110Glu]LDKFEASIKD

ClinVar aggregate classification (germline): Uncertain significance (1 of 4 stars; one submission).

Submission:

GeneDx
Classification: Uncertain significance. Last evaluated: 2020-11-30. Review status: criteria provided, single submitter. Criteria: GeneDx Variant Classification Process June 2021. Collection method: clinical testing. Allele origin: germline. Affected: yes.
Comment: Not observed in large population cohorts (Lek et al., 2016); In silico analysis, which includes protein predictors and evolutionary conservation, supports a deleterious effect; Has not been previously published as pathogenic or benign to our knowledge